The following is an entry in ClinVar:

ClinVar aggregate classification (germline): Likely benign. Review status: criteria provided, multiple submitters, no conflicts (2 of 4 stars). 4 submissions from 4 submitters: Likely benign (4). Last evaluated 2026-01-13.

Conditions:
Cardiovascular phenotype. Identifiers: MedGen CN230736.
Hereditary cancer-predisposing syndrome. Also called: Neoplastic Syndromes, Hereditary; Tumor predisposition; Hereditary Cancer Syndrome; Hereditary neoplastic syndrome. Identifiers: Orphanet 140162, MedGen C0027672, MeSH D009386, MONDO:0015356.
NF1-related disorder. Also called: NF1-related condition. Identifiers: MedGen CN379171.
Neurofibromatosis, type 1 (NF1). Also called: Neurofibromatosis, type I; VON RECKLINGHAUSEN DISEASE; Peripheral type neurofibromatosis; NEUROFIBROMATOSIS, TYPE I, SOMATIC. Identifiers: Orphanet 636, MedGen C0027831, MONDO:0018975, OMIM 162200. Disease mechanism: loss of function.

Allele frequency attached by ClinVar (database versions not stated): TOPMed 0.00001.

Submissions (4):

Labcorp Genetics (formerly Invitae), Labcorp
Classification: Likely benign for Neurofibromatosis, type 1. Last evaluated: 2026-01-13. Review status: criteria provided, single submitter. Criteria: Invitae Variant Classification Sherloc (09022015). Collection method: clinical testing. Allele origin: germline.

PreventionGenetics, part of Exact Sciences
Classification: Likely benign for NF1-related condition. Last evaluated: 2025-05-02. Review status: criteria provided, single submitter. Criteria: ACMG Guidelines, 2015. Collection method: clinical testing. Allele origin: germline.
Comment: This variant is classified as likely benign based on ACMG/AMP sequence variant interpretation guidelines (Richards et al. 2015 PMID: 25741868, with internal and published modifications).

Genome-Nilou Lab
Classification: Likely benign for Neurofibromatosis, type 1. Last evaluated: 2022-03-15. Review status: criteria provided, single submitter. Criteria: ACMG Guidelines, 2015. Collection method: clinical testing. Allele origin: germline. Affected: no.

Ambry Genetics
Classification: Likely benign for Cardiovascular phenotype; Hereditary cancer-predisposing syndrome. Last evaluated: 2015-10-11. Review status: criteria provided, single submitter. Criteria: Ambry General Variant Classification Scheme_2022. Collection method: clinical testing. Allele origin: germline. Observed: 1 variant allele.

NM_001042492.3(NF1):c.87C>T (p.Asn29=)

Gene: NF1 (neurofibromin 1; plus strand). Cytogenetic location: 17q11.2.
Variant type: single nucleotide variant.
Coding change: c.87C>T on transcript NM_001042492.3 (MANE Select); coding-DNA position 87, C replaced by T.
Protein change: p.Asn29=; no amino-acid change (asparagine 29 retained).
Molecular consequence: synonymous variant.
Genome position (GRCh38, 1-based): chr17:31,156,009, C>T. VCF-style: chr17-31156009-C-T. GRCh37 (hg19) VCF-style: chr17-29483027-C-T.
Other names: c.87C>T, p.Asn29= (NM_000267.4, NM_001128147.3).
Identifiers: ClinVar variation 413017 (VCV000413017.15), dbSNP rs1060503914, ClinGen allele CA16615405.